The following is an entry in ClinVar:

ClinVar aggregate classification (germline): Benign. Review status: criteria provided, multiple submitters, no conflicts (2 of 4 stars). 3 submissions from 3 submitters: Benign (3). Last evaluated 2025-12-07.

Allele frequency attached by ClinVar (database versions not stated): gnomAD exomes 0.00036 and 0.00106; ExAC 0.00124; 1000 Genomes Project 30x 0.00187; 1000 Genomes Project 0.00200; gnomAD 0.00391 and 0.00421; TOPMed 0.00471; ESP Exome Variant Server 0.00477.
gnomAD v4.1: 1,136 of 1,613,906 alleles (0.07%); highest among the groups gnomAD compares: African/African-American, 1.4%; 12 homozygotes.

Submissions (3):

Labcorp Genetics (formerly Invitae), Labcorp
Classification: Benign. Last evaluated: 2025-12-07. Review status: criteria provided, single submitter. Criteria: Invitae Variant Classification Sherloc (09022015). Collection method: clinical testing. Allele origin: germline.

Mayo Clinic Laboratories, Mayo Clinic
Classification: Benign. Last evaluated: 2025-02-14. Review status: criteria provided, single submitter. Criteria: ACMG Guidelines, 2015. Collection method: clinical testing. Allele origin: germline. Observed: 1 variant allele.
Comment: BS1, BS2, BP4_moderate

Breakthrough Genomics
Classification: Benign. Review status: criteria provided, single submitter. Criteria: ACMG Guidelines, 2015. Collection method: not provided. Allele origin: germline. Inheritance: Autosomal dominant inheritance. Affected: yes.

NM_001256071.3(RNF213):c.9016G>A (p.Ala3006Thr)

Gene: RNF213 (ring finger protein 213; plus strand). Cytogenetic location: 17q25.3.
Variant type: single nucleotide variant.
Coding change: c.9016G>A on transcript NM_001256071.3 (MANE Select); coding-DNA position 9016, G replaced by A.
Protein change: p.Ala3006Thr; replaces alanine 3006 with threonine.
Molecular consequence: missense variant.
Genome position (GRCh38, 1-based): chr17:80,347,351, G>A. VCF-style: chr17-80347351-G-A. GRCh37 (hg19) VCF-style: chr17-78321151-G-A.
Other names: p.Ala3006Thr; short protein forms A3006T.
Identifiers: ClinVar variation 732682 (VCV000732682.12), dbSNP rs115867721, ClinGen allele CA8821051.
Genomic context (GRCh38, chr17:80,347,351, plus strand): 5'-AACTTCAGTGGCAAGGATGACATCCAAGCTTTGGACATCTTTCTGGCCAATTTGCCCGAG[G>A]CCAAGTGCTCAGAGGAAGTCAGCCCCATGCAGCTGATCAAACAGAACATCTTTGGGCCTT-3'
Protein context (NP_001243000.2, residues 2996-3016): LDIFLANLPE[Ala3006Thr]KCSEEVSPMQ